The following is an entry in ClinVar:

NM_000263.4(NAGLU):c.1322C>T (p.Thr441Met)

Gene: NAGLU (N-acetyl-alpha-glucosaminidase; plus strand). Cytogenetic location: 17q21.2.
Variant type: single nucleotide variant.
Coding change: c.1322C>T on transcript NM_000263.4 (MANE Select); coding-DNA position 1322, C replaced by T.
Protein change: p.Thr441Met; replaces threonine 441 with methionine.
Molecular consequence: missense variant.
Genome position (GRCh38, 1-based): chr17:42,543,328, C>T. VCF-style: chr17-42543328-C-T. GRCh37 (hg19) VCF-style: chr17-40695346-C-T.
Other names: short protein forms T441M.
Identifiers: ClinVar variation 167322 (VCV000167322.24), dbSNP rs138695961, ClinGen allele CA234308.

ClinVar aggregate classification (germline): Conflicting classifications of pathogenicity. Review status: criteria provided, conflicting classifications (1 of 4 stars). 9 submissions from 9 submitters: Uncertain significance (3); Likely benign (2). 4 of the submissions do not count toward it. Last evaluated 2026-05-04.

Conditions:
NAGLU-related disorder. Also called: NAGLU-related condition.
Mucopolysaccharidosis, MPS-III-B (MPS3B). Also called: Mucopolysaccharidosis type IIIB (Sanfilippo B); MPS III B; MUCOPOLYSACCHARIDOSIS, TYPE IIIB; MPS IIIB (Sanfilippo Syndrome Type B); N-ACETYL-ALPHA-D-GLUCOSAMINIDASE DEFICIENCY; NAGLU DEFICIENCY. Identifiers: Orphanet 79270, MedGen C0086648, MONDO:0009656, OMIM 252920.
Charcot-Marie-Tooth disease axonal type 2V. Also called: CHARCOT-MARIE-TOOTH NEUROPATHY, TYPE 2V; CHARCOT-MARIE-TOOTH DISEASE, AXONAL, AUTOSOMAL DOMINANT, TYPE 2V. Identifiers: Orphanet 447964, MedGen C5569050, MONDO:0014665, OMIM 616491.

Allele frequency attached by ClinVar (database versions not stated): gnomAD 0.00019 and 0.00017; ExAC 0.00022; ESP Exome Variant Server 0.00023; gnomAD exomes 0.00020; TOPMed 0.00027.
gnomAD v4.1: 218 of 1,613,318 alleles (0.014%); highest among the groups gnomAD compares: East Asian, 0.027%; no homozygotes.

Submissions (9):

Women's Health and Genetics/Laboratory Corporation of America, LabCorp
Classification: Likely benign. Last evaluated: 2026-05-04. Review status: criteria provided, single submitter. Criteria: LabCorp Variant Classification Summary - May 2015. Collection method: clinical testing. Allele origin: germline.
Comment: Variant summary: NAGLU c.1322C>T (p.Thr441Met) results in a non-conservative amino acid change in the encoded protein sequence. Algorithms developed to predict the effect of missense changes on protein structure and function all suggest that this variant is likely to be disruptive. The variant allele was found at a frequency of 0.00014 in 1613318 control chromosomes, predominantly at a frequency of 0.0034 within the East Asian subpopulation in the gnomAD database. The observed variant frequency within East Asian control individuals in the gnomAD database exceeds the estimated maximal expected allele frequency for disease-causing variants in NAGLU. c.1322C>T has not been observed in individual(s) affected with Mucopolysaccharidosis Type IIIB (Sanfilippo Syndrome B). At least one publication reports experimental evidence evaluating an impact on protein function, showing the variant effect results in reduced enzyme activity in vitro (e.g. Clark_2018). The following publication has been ascertained in the context of this evaluation (PMID: 32695065). ClinVar contains an entry for this variant (Variation ID: 167322). Based on the evidence outlined above, the variant was classified as likely benign.

CeGaT Center for Human Genetics Tuebingen
Classification: Uncertain significance. Last evaluated: 2026-05-01. Review status: criteria provided, single submitter. Criteria: CeGaT Center For Human Genetics Tuebingen Variant Classification Criteria Version 2. Collection method: clinical testing. Allele origin: germline. Affected: yes. Observed: 1 variant allele.
Comment: NAGLU: PM2

Labcorp Genetics (formerly Invitae), Labcorp
Classification: Likely benign for Charcot-Marie-Tooth disease axonal type 2V; Mucopolysaccharidosis, MPS-III-B. Last evaluated: 2026-01-21. Review status: criteria provided, single submitter. Criteria: Invitae Variant Classification Sherloc (09022015). Collection method: clinical testing. Allele origin: germline.

Mayo Clinic Laboratories, Mayo Clinic
Classification: Uncertain significance. Last evaluated: 2025-07-01. Review status: criteria provided, single submitter. Criteria: ACMG Guidelines, 2015. Collection method: clinical testing. Allele origin: germline. Observed: 1 variant allele.
Comment: BS1, PP3

Eurofins Ntd Llc (ga)
Classification: Uncertain significance. Last evaluated: 2013-12-23. Review status: criteria provided, single submitter. Criteria: EGL Classification Definitions 2015. Collection method: clinical testing. Allele origin: germline. Observed: 2 variant alleles, 2 heterozygotes.

PreventionGenetics, part of Exact Sciences
Classification: Likely benign for NAGLU-related condition. Last evaluated: 2023-08-22. Review status: no assertion criteria provided. Collection method: clinical testing. Allele origin: germline. Not counted in ClinVar's aggregate classification.
Comment: This variant is classified as likely benign based on ACMG/AMP sequence variant interpretation guidelines (Richards et al. 2015 PMID: 25741868, with internal and published modifications).

Natera, Inc.
Classification: Likely benign for Mucopolysaccharidosis type IIIB. Last evaluated: 2020-09-17. Review status: no assertion criteria provided. Collection method: clinical testing. Allele origin: germline. Not counted in ClinVar's aggregate classification.

Clinical Genetics DNA and cytogenetics Diagnostics Lab, Erasmus MC, Erasmus Medical Center
Classification: Uncertain significance. Review status: no assertion criteria provided. Collection method: clinical testing. Allele origin: germline. Affected: yes. Study: VKGL Data-share Consensus. Not counted in ClinVar's aggregate classification.

Diagnostic Laboratory, Department of Genetics, University Medical Center Groningen
Classification: Uncertain significance. Review status: no assertion criteria provided. Collection method: clinical testing. Allele origin: germline. Affected: yes. Study: VKGL Data-share Consensus. Not counted in ClinVar's aggregate classification.

Literature cited by the submitters: PubMed 29979746 (cited by Women's Health and Genetics/Laboratory Corporation of America, LabCorp); PubMed 32695065 (cited by Women's Health and Genetics/Laboratory Corporation of America, LabCorp).